The following is an entry in ClinVar:

ClinVar aggregate classification (germline): Uncertain significance (1 of 4 stars; one submission).

Conditions:
Beckwith-Wiedemann syndrome (BWS). Also called: EMG SYNDROME; Exomphalos macroglossia gigantism syndrome. Identifiers: Orphanet 116, MedGen C0004903, MONDO:0007534, OMIM 130650.

Submission:

Labcorp Genetics (formerly Invitae), Labcorp
Classification: Uncertain significance for Beckwith-Wiedemann syndrome. Last evaluated: 2024-05-08. Review status: criteria provided, single submitter. Criteria: Invitae Variant Classification Sherloc (09022015). Collection method: clinical testing. Allele origin: germline.
Comment: This sequence change replaces alanine, which is neutral and non-polar, with proline, which is neutral and non-polar, at codon 51 of the CDKN1C protein (p.Ala51Pro). This variant is not present in population databases (gnomAD no frequency). This variant has not been reported in the literature in individuals affected with CDKN1C-related conditions. ClinVar contains an entry for this variant (Variation ID: 1034467). Advanced modeling of protein sequence and biophysical properties (such as structural, functional, and spatial information, amino acid conservation, physicochemical variation, residue mobility, and thermodynamic stability) has been performed at Invitae for this missense variant, however the output from this modeling did not meet the statistical confidence thresholds required to predict the impact of this variant on CDKN1C protein function. In summary, the available evidence is currently insufficient to determine the role of this variant in disease. Therefore, it has been classified as a Variant of Uncertain Significance.

NM_001122630.2(CDKN1C):c.118G>C (p.Ala40Pro)

Gene: CDKN1C (cyclin dependent kinase inhibitor 1C; minus strand). Cytogenetic location: 11p15.4.
Variant type: single nucleotide variant.
Coding change: c.118G>C on transcript NM_001122630.2 (MANE Select); coding-DNA position 118, G replaced by C.
Protein change: p.Ala40Pro; replaces alanine 40 with proline.
Molecular consequence: missense variant.
Genome position (GRCh38, 1-based): chr11:2,885,339, C>G on the plus strand (G>C on the coding strand, the complement: CDKN1C is on the minus strand). VCF-style: chr11-2885339-C-G. GRCh37 (hg19) VCF-style: chr11-2906569-C-G.
Other names: c.151G>C, p.Ala51Pro (NM_000076.2, NM_001362474.2); c.118G>C, p.Ala40Pro (NM_001122631.2, NM_001362475.2); short protein forms A51P, A40P.
Identifiers: ClinVar variation 1034467 (VCV001034467.9), dbSNP rs1848975816, ClinGen allele CA379147596.